The following is an entry in ClinVar:

NM_001386298.1(CIC):c.2537C>T (p.Thr846Ile)

Gene: CIC (capicua transcriptional repressor; plus strand). Cytogenetic location: 19q13.2.
Variant type: single nucleotide variant.
Coding change: c.2537C>T on transcript NM_001386298.1 (MANE Select); coding-DNA position 2537, C replaced by T.
Protein change: p.Thr846Ile; replaces threonine 846 with isoleucine.
Molecular consequence: missense variant.
Genome position (GRCh38, 1-based): chr19:42,274,320, C>T. VCF-style: chr19-42274320-C-T. GRCh37 (hg19) VCF-style: chr19-42778472-C-T.
Other names: c.2537C>T, p.Thr846Ile (NM_001304815.2, NM_001379480.1, NM_001379482.1 and 1 more transcripts); short protein forms T846I.
Identifiers: ClinVar variation 2649968 (VCV002649968.25), dbSNP rs553052512, ClinGen allele CA308616031.
Genomic context (GRCh38, chr19:42,274,320, plus strand): 5'-GGGAGGTGGGCACTGCTGGTGAGGTGCGGGCTGGGGGACCTGGGCGGGGCTGCCGTGAAA[C>T]CCCAGTGCCCCCTGGGGTGGCCAGTGGGAAGCCTGGCCTGCCCCCACCTCTGCCAGCCCC-3'
Protein context (NP_001373227.1, residues 836-856): AGGPGRGCRE[Thr846Ile]PVPPGVASGK

ClinVar aggregate classification (germline): Likely benign. Review status: criteria provided, multiple submitters, no conflicts (2 of 4 stars). 2 submissions from 2 submitters: Likely benign (2). Last evaluated 2026-08-01.

Conditions:
CIC-related disorder. Also called: CIC-related condition.

Allele frequency attached by ClinVar (database versions not stated): gnomAD 0.00088; TOPMed 0.00098; 1000 Genomes Project 30x 0.00109; 1000 Genomes Project 0.00120.
gnomAD v4.1: 172 of 398,604 alleles (0.043%); highest among the groups gnomAD compares: African/African-American, 0.26%; no homozygotes.

Submissions (2):

CeGaT Center for Human Genetics Tuebingen
Classification: Likely benign. Last evaluated: 2026-08-01. Review status: criteria provided, single submitter. Criteria: CeGaT Center For Human Genetics Tuebingen Variant Classification Criteria Version 2. Collection method: clinical testing. Allele origin: germline. Affected: yes. Observed: 3 variant alleles.
Comment: CIC: BS1

PreventionGenetics, part of Exact Sciences
Classification: Likely benign for CIC-related condition. Last evaluated: 2024-12-10. Review status: criteria provided, single submitter. Criteria: ACMG Guidelines, 2015. Collection method: clinical testing. Allele origin: germline.
Comment: This variant is classified as likely benign based on ACMG/AMP sequence variant interpretation guidelines (Richards et al. 2015 PMID: 25741868, with internal and published modifications).